The following is an entry in ClinVar:

ClinVar aggregate classification (germline): Pathogenic/Likely pathogenic. Review status: criteria provided, multiple submitters, no conflicts (2 of 4 stars). 5 submissions from 5 submitters: Pathogenic (2); Likely pathogenic (3). Last evaluated 2026-03-18.

Conditions:
Intellectual developmental disorder, autosomal recessive 37. Also called: Intellectual disability-hypotonia-spasticity-sleep disorder syndrome. Identifiers: Orphanet 356996, MedGen C3809672, MONDO:0014210, OMIM 615493.

Submissions (5):

GeneDx
Classification: Likely pathogenic. Last evaluated: 2026-03-18. Review status: criteria provided, single submitter. Criteria: GeneDx Variant Classification Process June 2021. Collection method: clinical testing. Allele origin: germline.
Comment: Apparently de novo variant in a patient with mild intellectual disability, autism spectrum disorder, and attention deficit hyperactivity disorder in the published literature (PMID: 38988293); Frameshift variant predicted to result in protein truncation or nonsense mediated decay in a gene for which loss of function is a known mechanism of disease; Not observed at significant frequency in large population cohorts (gnomAD); Observed in at least one heterozygous clinically unaffected adult relative of an individual referred for genetic testing at GeneDx; This variant is associated with the following publications: (PMID: 38988293)

Dasa
Classification: Likely pathogenic. Last evaluated: 2025-11-21. Review status: criteria provided, single submitter. Criteria: DASA Assertion Criteria. Collection method: clinical testing. Allele origin: germline.
Comment: NM_020987.5(ANK3):c.4365_4368del (p.Arg1456Aspfs*7) is a frameshift variant in ANK3 predicted to alter the reading frame and introduce a premature termination codon and is predicted to result in an absent or altered protein product. Loss of function is an established disease mechanism for ANK3-associated disorders. Published studies describe this variant in association with related phenotype (PMID: 38988293). Also, this variant is rare in population databases. Based on the currently available evidence, this variant is classified as likely pathogenic.

Illumina Laboratory Services, Illumina
Classification: Pathogenic for Intellectual developmental disorder, autosomal recessive 37. Last evaluated: 2024-09-10. Review status: criteria provided, single submitter. Criteria: ICSLVariantClassificationCriteria RUGD 01 April 2020. Collection method: clinical testing. Allele origin: unknown.
Comment: The ANK3 c.4365_4368del p.(Arg1456AspfsTer7) variant causes a shift in the protein reading frame that is predicted to result in premature termination of the protein. Loss of normal protein function through either protein truncation or nonsense-mediated mRNA decay is expected. This variant has been identified in a de novo state an individual with a phenotype consistent with syndromic intellectual disability (PMID: 38988293). The p.(Arg1456AspfsTer7) variant is reported in the Genome Aggregation Database in one allele at a frequency of 0.00000008 in the European (non-Finnish) population (version 4.1.0). Based on the available evidence, the c.4365_4368del p.(Arg1456AspfsTer7) variant is classified as pathogenic for ANK3-related neurodevelopment disorder.

Greenwood Genetic Center Diagnostic Laboratories, Greenwood Genetic Center
Classification: Likely pathogenic. Last evaluated: 2020-10-05. Review status: criteria provided, single submitter. Criteria: ACMG Guidelines, 2015. Collection method: clinical testing. Allele origin: germline. Affected: yes.

CeGaT Center for Human Genetics Tuebingen
Classification: Pathogenic. Last evaluated: 2019-08-01. Review status: criteria provided, single submitter. Criteria: CeGaT Center For Human Genetics Tuebingen Variant Classification Criteria Version 2. Collection method: clinical testing. Allele origin: germline. Affected: yes. Observed: 3 variant alleles.

Literature cited by the submitters: PubMed 38988293 (cited by Dasa and Illumina Laboratory Services, Illumina).

NM_020987.5(ANK3):c.4365_4368del (p.Arg1456fs)

Gene: ANK3 (ankyrin 3; minus strand). Cytogenetic location: 10q21.2.
Variant type: Deletion.
Coding change: c.4365_4368del on transcript NM_020987.5 (MANE Select); coding-DNA positions 4365 to 4368, 4 bases deleted (TAGA; older notation c.4365_4368delTAGA).
Protein change: p.Arg1456fs; shifts the reading frame from arginine 1456.
Molecular consequence: frameshift variant.
Genome position (GRCh38, 1-based): chr10:60,080,601-60,080,604, TCTA deleted on the plus strand (TAGA on the coding strand, the reverse complement: ANK3 is on the minus strand); deleting any 4 consecutive bases within chr10:60,080,601-60,080,607 gives the same sequence; the c. name uses the placement nearest the transcript's 3' end. VCF-style (leftmost placement, unchanged base first): chr10-60080600-GTCTA-G. GRCh37 (hg19) VCF-style: chr10-61840358-GTCTA-G.
Other names: c.4365_4368del (NM_020987.3); c.4338_4341del, p.Arg1447fs (NM_001320874.2); c.1740_1743del, p.Arg581fs (NM_001149.4); c.4320_4323del, p.Arg1441fs (NM_001204403.2); c.4341_4344del, p.Arg1448fs (NM_001204404.2); short protein forms R1441fs, R1447fs, R1448fs, R1456fs, R581fs.
Identifiers: ClinVar variation 872695 (VCV000872695.49), dbSNP rs2084966849, ClinGen allele CA1139661453.